The following is an entry in ClinVar:

NM_000059.4(BRCA2):c.2000T>C (p.Leu667Pro)

Gene: BRCA2 (BRCA2 DNA repair associated; plus strand). Cytogenetic location: 13q13.1.
Variant type: single nucleotide variant.
Coding change: c.2000T>C on transcript NM_000059.4 (MANE Select); coding-DNA position 2000, T replaced by C.
Protein change: p.Leu667Pro; replaces leucine 667 with proline.
Molecular consequence: missense variant.
Genome position (GRCh38, 1-based): chr13:32,336,355, T>C. VCF-style: chr13-32336355-T-C. GRCh37 (hg19) VCF-style: chr13-32910492-T-C.
Other names: short protein forms L667P.
Identifiers: ClinVar variation 1017476 (VCV001017476.13), dbSNP rs2072448677, ClinGen allele CA387768696.

ClinVar aggregate classification (germline): Conflicting classifications of pathogenicity. Review status: criteria provided, conflicting classifications (1 of 4 stars). 2 submissions from 2 submitters: Uncertain significance (1); Likely benign (1). Last evaluated 2023-03-23.

Conditions:
Hereditary cancer-predisposing syndrome. Also called: Tumor predisposition; Neoplastic Syndromes, Hereditary; Hereditary neoplastic syndrome; Hereditary Cancer Syndrome. Identifiers: Orphanet 140162, MedGen C0027672, MeSH D009386, MONDO:0015356.
Hereditary breast ovarian cancer syndrome. Also called: BRCA1- and BRCA2-Associated Hereditary Breast and Ovarian Cancer; Hereditary breast and/or ovarian cancer syndrome; Hereditary breast and ovarian cancer syndrome; Hereditary breast and ovarian cancer; Hereditary breast and ovarian cancer syndrome (HBOC); Breast and ovarian cancer. Identifiers: Orphanet 145, MedGen C0677776, MeSH D061325, MONDO:0003582. Disease mechanism: loss of function.

Submissions (2):

University of Washington Department of Laboratory Medicine, University of Washington
Classification: Likely benign for Hereditary cancer-predisposing syndrome. Last evaluated: 2023-03-23. Review status: criteria provided, single submitter. Criteria: Dines et al. (Genet Med. 2020). Collection method: curation. Allele origin: germline.
Comment: Missense variant in a coldspot region where missense variants are very unlikely to be pathogenic (PMID:31911673).

BRCA2 exon 11 coldspot. Reclassification based on statistical prior probability.

Labcorp Genetics (formerly Invitae), Labcorp
Classification: Uncertain significance for Hereditary breast ovarian cancer syndrome. Last evaluated: 2020-02-26. Review status: criteria provided, single submitter. Criteria: Invitae Variant Classification Sherloc (09022015). Collection method: clinical testing. Allele origin: germline.
Comment: This sequence change replaces leucine with proline at codon 667 of the BRCA2 protein (p.Leu667Pro). The leucine residue is weakly conserved and there is a moderate physicochemical difference between leucine and proline. This variant is not present in population databases (ExAC no frequency). This variant has not been reported in the literature in individuals with BRCA2-related conditions. Algorithms developed to predict the effect of missense changes on protein structure and function output the following: SIFT: "Deleterious"; PolyPhen-2: "Benign"; Align-GVGD: "Class C0". The proline amino acid residue is found in multiple mammalian species, suggesting that this missense change does not adversely affect protein function. These predictions have not been confirmed by published functional studies and their clinical significance is uncertain. In summary, the available evidence is currently insufficient to determine the role of this variant in disease. Therefore, it has been classified as a Variant of Uncertain Significance.